The following is an entry in ClinVar:

ClinVar aggregate classification (germline): Conflicting classifications of pathogenicity. Review status: criteria provided, conflicting classifications (1 of 4 stars). 9 submissions from 9 submitters: Uncertain significance (6); Likely benign (1). 2 of the submissions do not count toward it. Last evaluated 2026-01-24.

Conditions:
Cutis laxa with osteodystrophy (ARCL2A). Also called: Autosomal recessive cutis laxa type 2A; Debré-Type Cutis Laxa; CUTIS LAXA, AUTOSOMAL RECESSIVE, TYPE IIA; CUTIS LAXA WITH CONGENITAL DISORDER OF GLYCOSYLATION; CUTIS LAXA WITH BONE DYSTROPHY; CUTIS LAXA WITH GROWTH AND DEVELOPMENTAL DELAY. Identifiers: Orphanet 357058, MedGen C0268355, MONDO:0018163, OMIM 219200. Disease mechanism: loss of function.
ALG9 congenital disorder of glycosylation (CDG1L). Also called: ALG9-CDG; CDG Il; CONGENITAL DISORDER OF GLYCOSYLATION, TYPE Il. Identifiers: Orphanet 79328, MedGen C2931006, MONDO:0012117, OMIM 608776.
Wrinkly skin syndrome (WSS). Also called: Type of Gerodermia osteodysplastica. Identifiers: Orphanet 2834, MedGen C0406587, MONDO:0010208, OMIM 278250.

Allele frequency attached by ClinVar (database versions not stated): TOPMed 0.00022.
gnomAD v4.1: 617 of 1,613,336 alleles (0.038%); highest among the groups gnomAD compares: Non-Finnish European, 0.048%; 3 homozygotes.

Submissions (9):

Labcorp Genetics (formerly Invitae), Labcorp
Classification: Likely benign for ALG9 congenital disorder of glycosylation. Last evaluated: 2026-01-24. Review status: criteria provided, single submitter. Criteria: Invitae Variant Classification Sherloc (09022015). Collection method: clinical testing. Allele origin: germline.

Fulgent Genetics
Classification: Uncertain significance for Cutis laxa with osteodystrophy; Wrinkly skin syndrome. Last evaluated: 2024-06-04. Review status: criteria provided, single submitter. Criteria: ACMG Guidelines, 2015. Collection method: clinical testing. Allele origin: germline.

Department of Pathology and Laboratory Medicine, Sinai Health System
Classification: Uncertain significance for autosomal recessive cutis laxa type 2A. Last evaluated: 2021-07-30. Review status: criteria provided, single submitter. Criteria: ACMG Guidelines, 2015. Collection method: research. Allele origin: germline.

CeGaT Center for Human Genetics Tuebingen
Classification: Uncertain significance. Last evaluated: 2021-06-01. Review status: criteria provided, single submitter. Criteria: CeGaT Center For Human Genetics Tuebingen Variant Classification Criteria Version 2. Collection method: clinical testing. Allele origin: germline. Affected: yes. Observed: 1 variant allele.

Eurofins Ntd Llc (ga)
Classification: Uncertain significance. Last evaluated: 2017-11-02. Review status: criteria provided, single submitter. Criteria: EGL Classification Definitions 2015. Collection method: clinical testing. Allele origin: germline. Observed: 1 variant allele, 1 heterozygote.

Illumina Laboratory Services, Illumina
Classification: Uncertain significance for Cutis laxa with osteodystrophy. Last evaluated: 2017-04-28. Review status: criteria provided, single submitter. Criteria: ICSL Variant Classification Criteria 13 December 2019. Collection method: clinical testing. Allele origin: germline.

GeneDx
Classification: Uncertain significance. Last evaluated: 2016-11-17. Review status: criteria provided, single submitter. Criteria: GeneDx Variant Classification (06012015). Collection method: clinical testing. Allele origin: germline. Affected: yes.
Comment: A variant of uncertain significance has been identified in the ATP6V0A2 gene. The R141L variant has not been published as a pathogenic variant, nor has it been reported as a benign variant to our knowledge. This variant was not observed in approximately 6,500 individuals of European and African American ancestry in the NHLBI Exome Sequencing Project, indicating it is not a common benign variant in these populations. The R141L variant is a non-conservative amino acid substitution, which is likely to impact secondary protein structure as these residues differ in polarity, charge, size and/or other properties. In addition, this substitution occurs at a position that is conserved across species, and 2/3 in silico algorithms predict this variant is probably damaging to the protein structure/function. However, to our knowledge no studies have been performed to determine the functional effect of the R141L variant.Therefore, based on the currently available information, it is unclear whether this variant is pathogenic or benign.

Clinical Genetics DNA and cytogenetics Diagnostics Lab, Erasmus MC, Erasmus Medical Center
Classification: Likely benign. Review status: no assertion criteria provided. Collection method: clinical testing. Allele origin: germline. Affected: yes. Study: VKGL Data-share Consensus. Not counted in ClinVar's aggregate classification.

Diagnostic Laboratory, Department of Genetics, University Medical Center Groningen
Classification: Likely benign. Review status: no assertion criteria provided. Collection method: clinical testing. Allele origin: germline. Affected: yes. Study: VKGL Data-share Consensus. Not counted in ClinVar's aggregate classification.

NM_012463.4(ATP6V0A2):c.422G>T (p.Arg141Leu)

Gene: ATP6V0A2 (ATPase H+ transporting V0 subunit a2; plus strand). Cytogenetic location: 12q24.31.
Variant type: single nucleotide variant.
Coding change: c.422G>T on transcript NM_012463.4 (MANE Select); coding-DNA position 422, G replaced by T.
Protein change: p.Arg141Leu; replaces arginine 141 with leucine.
Molecular consequence: missense variant.
Genome position (GRCh38, 1-based): chr12:123,724,781, G>T. VCF-style: chr12-123724781-G-T. GRCh37 (hg19) VCF-style: chr12-124209328-G-T.
Other names: short protein forms R141L.
Identifiers: ClinVar variation 390767 (VCV000390767.58), dbSNP rs143509747, ClinGen allele CA6861598.